The following is an entry in ClinVar:

ClinVar aggregate classification (germline): Pathogenic (1 of 4 stars; one submission).

Conditions:
Breast-ovarian cancer, familial, susceptibility to, 2 (BROVCA2). Also called: BRCA2 Hereditary Breast and Ovarian Cancer. Identifiers: Orphanet 145, MedGen C2675520, MONDO:0012933, OMIM 612555. Disease mechanism: loss of function.

Submission:

Myriad Genetics, Inc.
Classification: Pathogenic for Breast-ovarian cancer, familial, susceptibility to, 2. Last evaluated: 2024-02-15. Review status: criteria provided, single submitter. Criteria: Myriad Autosomal Dominant, Autosomal Recessive and X-Linked Classification Criteria (2023). Collection method: clinical testing. Allele origin: unknown.
Comment: This variant is considered pathogenic. This variant creates a frameshift predicted to result in premature protein truncation.

NM_000059.4(BRCA2):c.9410_9414del (p.Thr3137fs)

Gene: BRCA2 (BRCA2 DNA repair associated; plus strand). Cytogenetic location: 13q13.1.
Variant type: Deletion.
Coding change: c.9410_9414del on transcript NM_000059.4 (MANE Select); coding-DNA positions 9410 to 9414, 5 bases deleted (CTTTA; older notation c.9410_9414delCTTTA).
Protein change: p.Thr3137fs; shifts the reading frame from threonine 3137.
Molecular consequence: frameshift variant. On other transcripts: non-coding transcript variant (1).
Genome position (GRCh38, 1-based): chr13:32,394,842-32,394,846, CTTTA deleted; deleting any 5 consecutive bases within chr13:32,394,839-32,394,846 gives the same sequence; the c. name uses the placement nearest the transcript's 3' end. VCF-style (leftmost placement, unchanged base first): chr13-32394838-CTTACT-C. GRCh37 (hg19) VCF-style: chr13-32968975-CTTACT-C.
Other names: c.9314_9318del, p.Thr3105fs (NM_001406719.1); c.9359_9363del, p.Thr3120fs (NM_001406720.1); c.4478_4482del, p.Thr1493fs (NM_001406721.1); c.2993_2997del, p.Thr998fs (NM_001406722.1); short protein forms T3137fs, T998fs, T1493fs, T3105fs, T3120fs.
Identifiers: ClinVar variation 3148703 (VCV003148703.1), dbSNP rs2548562350, ClinGen allele CA2695217940.
Genomic context (GRCh38, chr13:32,394,838, plus strand): 5'-CCTCATATGTTAATTGCTGCAAGCAACCTCCAGTGGCGACCAGAATCCAAATCAGGCCTT[CTTACT>C]TTATTTGCTGGAGATTTTTCTGTGTTTTCTGCTAGTCCAAAAGAGGGCCACTTTCAAGAG-3'